The following is an entry in ClinVar:

ClinVar aggregate classification (germline): Uncertain significance. Review status: criteria provided, multiple submitters, no conflicts (2 of 4 stars). 2 submissions from 2 submitters: Uncertain significance (2). Last evaluated 2026-06-22.

Conditions:
Hereditary cancer-predisposing syndrome. Also called: Hereditary Cancer Syndrome; Hereditary neoplastic syndrome; Neoplastic Syndromes, Hereditary; Tumor predisposition. Identifiers: Orphanet 140162, MedGen C0027672, MeSH D009386, MONDO:0015356.

Submissions (2):

Ambry Genetics
Classification: Uncertain significance for Hereditary cancer-predisposing syndrome. Last evaluated: 2026-06-22. Review status: criteria provided, single submitter. Criteria: Ambry Variant Classification Scheme 2023. Collection method: clinical testing. Allele origin: germline.
Comment: The p.H36Q variant (also known as c.108C>A), located in coding exon 1 of the HOXB13 gene, results from a C to A substitution at nucleotide position 108. The histidine at codon 36 is replaced by glutamine, an amino acid with highly similar properties. This amino acid position is highly conserved in available vertebrate species. In addition, the in silico prediction for this alteration is inconclusive. Based on the available evidence, the clinical significance of this variant remains unclear.

Labcorp Genetics (formerly Invitae), Labcorp
Classification: Uncertain significance. Last evaluated: 2025-08-03. Review status: criteria provided, single submitter. Criteria: Invitae Variant Classification Sherloc (09022015). Collection method: clinical testing. Allele origin: germline.
Comment: This sequence change replaces histidine, which is basic and polar, with glutamine, which is neutral and polar, at codon 36 of the HOXB13 protein (p.His36Gln). This variant is not present in population databases (gnomAD no frequency). This variant has not been reported in the literature in individuals affected with HOXB13-related conditions. ClinVar contains an entry for this variant (Variation ID: 2807059). An algorithm developed to predict the effect of missense changes on protein structure and function (PolyPhen-2) suggests that this variant is likely to be tolerated. In summary, the available evidence is currently insufficient to determine the role of this variant in disease. Therefore, it has been classified as a Variant of Uncertain Significance.

NM_006361.6(HOXB13):c.108C>A (p.His36Gln)

Gene: HOXB13 (homeobox B13; minus strand). Cytogenetic location: 17q21.32.
Variant type: single nucleotide variant.
Coding change: c.108C>A on transcript NM_006361.6 (MANE Select); coding-DNA position 108, C replaced by A.
Protein change: p.His36Gln; replaces histidine 36 with glutamine.
Molecular consequence: missense variant.
Genome position (GRCh38, 1-based): chr17:48,728,486, G>T on the plus strand (C>A on the coding strand, the complement: HOXB13 is on the minus strand). VCF-style: chr17-48728486-G-T. GRCh37 (hg19) VCF-style: chr17-46805848-G-T.
Other names: short protein forms H36Q.
Identifiers: ClinVar variation 2807059 (VCV002807059.4), dbSNP rs2509516026, ClinGen allele CA400109302.